The following is an entry in ClinVar:

ClinVar aggregate classification (germline): Likely benign. Review status: criteria provided, multiple submitters, no conflicts (2 of 4 stars). 3 submissions from 3 submitters: Likely benign (3). Last evaluated 2025-08-29.

Conditions:
Epidermolysis bullosa simplex, Ogna type (EBS5A). Also called: Pidermolysis bullosa simplex 5A, Ogna type; EPIDERMOLYSIS BULLOSA SIMPLEX 5A, OGNA TYPE. Identifiers: Orphanet 79401, MedGen C0432317, MONDO:0007555, OMIM 131950.
Autosomal recessive limb-girdle muscular dystrophy type 2Q (LGMDR17). Also called: MUSCULAR DYSTROPHY, LIMB-GIRDLE, AUTOSOMAL RECESSIVE 17. Identifiers: Orphanet 254361, MedGen C3150989, MONDO:0013390, OMIM 613723.
Epidermolysis bullosa simplex 5B, with muscular dystrophy (EBS5B). Also called: Epidermolysis bullosa simplex with muscular dystrophy; EPIDERMOLYSIS BULLOSA SIMPLEX AND LIMB-GIRDLE MUSCULAR DYSTROPHY. Identifiers: Orphanet 257, MedGen C2931072, MONDO:0009181, OMIM 226670.
Epidermolysis bullosa simplex with nail dystrophy (EBS5D). Identifiers: MedGen C4225309, MONDO:0014661, OMIM 616487.
Epidermolysis bullosa simplex 5C, with pyloric atresia (EBS5C). Also called: PLEC-Related Epidermolysis Bullosa with Pyloric Atresia; Epidermolysis bullosa simplex with pyloric atresia; PLEC1-Related Epidermolysis Bullosa with Pyloric Atresia. Identifiers: Orphanet 158684, MedGen C2677349, MONDO:0012807, OMIM 612138.

Allele frequency attached by ClinVar (database versions not stated): gnomAD exomes 0.00006 and 0.00008; TOPMed 0.00008; gnomAD 0.00009; ExAC 0.00010.
gnomAD v4.1: 124 of 1,589,142 alleles (0.0078%); highest among the groups gnomAD compares: African/African-American, 0.012%; no homozygotes.

Submissions (3):

Labcorp Genetics (formerly Invitae), Labcorp
Classification: Likely benign for Autosomal recessive limb-girdle muscular dystrophy type 2Q; Epidermolysis bullosa simplex, Ogna type; Epidermolysis bullosa simplex with nail dystrophy; Epidermolysis bullosa simplex 5C, with pyloric atresia; Epidermolysis bullosa simplex 5B, with muscular dystrophy. Last evaluated: 2025-08-29. Review status: criteria provided, single submitter. Criteria: Invitae Variant Classification Sherloc (09022015). Collection method: clinical testing. Allele origin: germline.

CeGaT Center for Human Genetics Tuebingen
Classification: Likely benign. Last evaluated: 2025-03-01. Review status: criteria provided, single submitter. Criteria: CeGaT Center For Human Genetics Tuebingen Variant Classification Criteria Version 2. Collection method: clinical testing. Allele origin: germline. Affected: yes. Observed: 1 variant allele.
Comment: PLEC: BP4, BP7

Blueprint Genetics
Classification: Likely benign. Last evaluated: 2024-10-01. Review status: criteria provided, single submitter. Criteria: ACMG Guidelines, 2015. Collection method: clinical testing. Allele origin: germline.

NM_201384.3(PLEC):c.13497C>T (p.Ala4499=)

Gene: PLEC (plectin; minus strand). Cytogenetic location: 8q24.3.
Variant type: single nucleotide variant.
Coding change: c.13497C>T on transcript NM_201384.3 (MANE Select); coding-DNA position 13497, C replaced by T.
Protein change: p.Ala4499=; no amino-acid change (alanine 4499 retained).
Molecular consequence: synonymous variant.
Genome position (GRCh38, 1-based): chr8:143,916,324, G>A on the plus strand (C>T on the coding strand, the complement: PLEC is on the minus strand). VCF-style: chr8-143916324-G-A. GRCh37 (hg19) VCF-style: chr8-144990492-G-A.
Other names: c.13578C>T, p.Ala4526= (NM_000445.5); c.13455C>T, p.Ala4485= (NM_201378.4); c.13431C>T, p.Ala4477= (NM_201379.3); c.13908C>T, p.Ala4636= (NM_201380.4); c.13401C>T, p.Ala4467= (NM_201381.3); c.13497C>T, p.Ala4499= (NM_201382.4); c.13509C>T, p.Ala4503= (NM_201383.3).
Identifiers: ClinVar variation 478590 (VCV000478590.24), dbSNP rs782685276, ClinGen allele CA4923779.